The following is an entry in ClinVar:

ClinVar aggregate classification (germline): Likely benign. Review status: criteria provided, multiple submitters, no conflicts (2 of 4 stars). 4 submissions from 4 submitters: Likely benign (4). Last evaluated 2025-12-22.

Conditions:
SCN11A-related disorder. Also called: SCN11A-related condition.
Inborn genetic diseases. Identifiers: MedGen C0950123, MeSH D030342.
Familial episodic pain syndrome with predominantly lower limb involvement. Also called: Episodic pain syndrome, familial, 3. Identifiers: Orphanet 391384, Orphanet 391392, MedGen C3809899, MONDO:0014247, OMIM 615552.
Hereditary sensory and autonomic neuropathy type 7. Also called: HSAN VII; Neuropathy, hereditary sensory and autonomic, type VII. Identifiers: Orphanet 391397, MedGen C3809882, MONDO:0014244, OMIM 615548.

Allele frequency attached by ClinVar (database versions not stated): gnomAD exomes 0.00003 and 0.00009; ExAC 0.00009; 1000 Genomes Project 30x 0.00016; 1000 Genomes Project 0.00020; gnomAD 0.00037 and 0.00039; ESP Exome Variant Server 0.00038; TOPMed 0.00046.
gnomAD v4.1: 101 of 1,614,116 alleles (0.0063%); highest among the groups gnomAD compares: African/African-American, 0.12%; no homozygotes.

Submissions (4):

Labcorp Genetics (formerly Invitae), Labcorp
Classification: Likely benign for Familial episodic pain syndrome with predominantly lower limb involvement; Hereditary sensory and autonomic neuropathy type 7. Last evaluated: 2025-12-22. Review status: criteria provided, single submitter. Criteria: Invitae Variant Classification Sherloc (09022015). Collection method: clinical testing. Allele origin: germline.

PreventionGenetics, part of Exact Sciences
Classification: Likely benign for SCN11A-related condition. Last evaluated: 2025-10-09. Review status: criteria provided, single submitter. Criteria: ACMG Guidelines, 2015. Collection method: clinical testing. Allele origin: germline.
Comment: This variant is classified as likely benign based on ACMG/AMP sequence variant interpretation guidelines (Richards et al. 2015 PMID: 25741868, with internal and published modifications).

Women's Health and Genetics/Laboratory Corporation of America, LabCorp
Classification: Likely benign. Last evaluated: 2025-04-01. Review status: criteria provided, single submitter. Criteria: LabCorp Variant Classification Summary - May 2015. Collection method: clinical testing. Allele origin: germline.

Ambry Genetics
Classification: Likely benign for Inborn genetic diseases. Last evaluated: 2020-08-04. Review status: criteria provided, single submitter. Criteria: Ambry Variant Classification Scheme 2023. Collection method: clinical testing. Allele origin: germline.

NM_001349253.2(SCN11A):c.2770G>A (p.Asp924Asn)

Gene: SCN11A (sodium voltage-gated channel alpha subunit 11; minus strand). Cytogenetic location: 3p22.2.
Variant type: single nucleotide variant.
Coding change: c.2770G>A on transcript NM_001349253.2 (MANE Select); coding-DNA position 2770, G replaced by A.
Protein change: p.Asp924Asn; replaces aspartic acid 924 with asparagine.
Molecular consequence: missense variant.
Genome position (GRCh38, 1-based): chr3:38,894,598, C>T on the plus strand (G>A on the coding strand, the complement: SCN11A is on the minus strand). VCF-style: chr3-38894598-C-T. GRCh37 (hg19) VCF-style: chr3-38936089-C-T.
Other names: c.2770G>A, p.Asp924Asn (NM_014139.3); short protein forms D924N.
Identifiers: ClinVar variation 568652 (VCV000568652.16), dbSNP rs181467215, ClinGen allele CA2321972.